The following is an entry in ClinVar:

ClinVar aggregate classification (germline): Conflicting classifications of pathogenicity. Review status: criteria provided, conflicting classifications (1 of 4 stars). 6 submissions from 6 submitters: Uncertain significance (4); Benign (1); Likely benign (1). Last evaluated 2025-11-06.

Conditions:
Inborn genetic diseases. Identifiers: MedGen C0950123, MeSH D030342.

Allele frequency attached by ClinVar (database versions not stated): ExAC 0.00016; gnomAD exomes 0.00016; 1000 Genomes Project 30x 0.00031; 1000 Genomes Project 0.00040; gnomAD 0.00051 and 0.00057; TOPMed 0.00056.
gnomAD v4.1: 178 of 1,549,492 alleles (0.011%); highest among the groups gnomAD compares: African/African-American, 0.15%; 1 homozygote.

Submissions (6):

Labcorp Genetics (formerly Invitae), Labcorp
Classification: Benign. Last evaluated: 2025-11-06. Review status: criteria provided, single submitter. Criteria: Invitae Variant Classification Sherloc (09022015). Collection method: clinical testing. Allele origin: germline.

Ambry Genetics
Classification: Uncertain significance for Inborn genetic diseases. Last evaluated: 2024-09-26. Review status: criteria provided, single submitter. Criteria: Ambry Variant Classification Scheme 2023. Collection method: clinical testing. Allele origin: germline.

Revvity Omics, Revvity
Classification: Likely benign. Last evaluated: 2024-05-29. Review status: criteria provided, single submitter. Criteria: ACMG Guidelines, 2015. Collection method: clinical testing. Allele origin: germline.

GeneDx
Classification: Uncertain significance. Last evaluated: 2023-12-26. Review status: criteria provided, single submitter. Criteria: GeneDx Variant Classification Process June 2021. Collection method: clinical testing. Allele origin: germline.
Comment: In silico analysis supports that this missense variant has a deleterious effect on protein structure/function; Has not been previously published as pathogenic or benign to our knowledge

Mayo Clinic Laboratories, Mayo Clinic
Classification: Uncertain significance. Last evaluated: 2019-08-01. Review status: criteria provided, single submitter. Criteria: ACMG Guidelines, 2015. Collection method: clinical testing. Allele origin: germline. Observed: 1 variant allele.

Breakthrough Genomics
Classification: Uncertain significance. Review status: criteria provided, single submitter. Criteria: ACMG Guidelines, 2015. Collection method: not provided. Allele origin: germline. Inheritance: Autosomal recessive inheritance. Affected: yes.

NM_001142864.4(PIEZO1):c.6836G>A (p.Arg2279His)

Gene: PIEZO1 (piezo type mechanosensitive ion channel component 1 (Er blood group); minus strand). Cytogenetic location: 16q24.3.
Variant type: single nucleotide variant.
Coding change: c.6836G>A on transcript NM_001142864.4 (MANE Select); coding-DNA position 6836, G replaced by A.
Protein change: p.Arg2279His; replaces arginine 2279 with histidine.
Molecular consequence: missense variant.
Genome position (GRCh38, 1-based): chr16:88,716,649, C>T on the plus strand (G>A on the coding strand, the complement: PIEZO1 is on the minus strand). VCF-style: chr16-88716649-C-T. GRCh37 (hg19) VCF-style: chr16-88783057-C-T.
Other names: short protein forms R2279H.
Identifiers: ClinVar variation 1163986 (VCV001163986.15), dbSNP rs577357377, ClinGen allele CA8231471.